The following is an entry in ClinVar:

NM_016203.4(PRKAG2):c.521C>T (p.Thr174Met)

Gene: PRKAG2 (protein kinase AMP-activated non-catalytic subunit gamma 2; minus strand). Cytogenetic location: 7q36.1.
Variant type: single nucleotide variant.
Coding change: c.521C>T on transcript NM_016203.4 (MANE Select); coding-DNA position 521, C replaced by T.
Protein change: p.Thr174Met; replaces threonine 174 with methionine.
Molecular consequence: missense variant.
Genome position (GRCh38, 1-based): chr7:151,675,583, G>A on the plus strand (C>T on the coding strand, the complement: PRKAG2 is on the minus strand). VCF-style: chr7-151675583-G-A. GRCh37 (hg19) VCF-style: chr7-151372669-G-A.
Other names: c.389C>T, p.Thr130Met (NM_001040633.2); c.149C>T, p.Thr50Met (NM_001304527.2, NM_001363698.2); short protein forms T174M, T130M, T50M.
Identifiers: ClinVar variation 164991 (VCV000164991.34), dbSNP rs148056866, ClinGen allele CA014289.

ClinVar aggregate classification (germline): Conflicting classifications of pathogenicity. Review status: criteria provided, conflicting classifications (1 of 4 stars). 9 submissions from 9 submitters: Uncertain significance (5); Likely benign (3). 1 of the submissions does not count toward it. Last evaluated 2026-02-17.

Conditions:
Cardiovascular phenotype. Identifiers: MedGen CN230736.
PRKAG2-related disorder. Also called: PRKAG2-related condition; PRKAG2-related disorders.
Cardiomyopathy (CMYO). Also called: Cardiomyopathies. Identifiers: Orphanet 167848, MedGen C0878544, MONDO:0004994, HP:0001638. Inheritance: Various modes of inheritance.
Lethal congenital glycogen storage disease of heart. Also called: PHOSPHORYLASE KINASE DEFICIENCY OF HEART; GLYCOGEN STORAGE DISEASE OF HEART. Identifiers: Orphanet 439854, MedGen C1849813, MONDO:0009867, OMIM 261740.

Allele frequency attached by ClinVar (database versions not stated): ExAC 0.00004; gnomAD exomes 0.00006; 1000 Genomes Project 30x 0.00016; gnomAD 0.00019 and 0.00021; 1000 Genomes Project 0.00020; ESP Exome Variant Server 0.00023; TOPMed 0.00027.
gnomAD v4.1: 73 of 1,614,146 alleles (0.0045%); highest among the groups gnomAD compares: African/African-American, 0.077%; no homozygotes.

Submissions (9):

PreventionGenetics, part of Exact Sciences
Classification: Uncertain significance for PRKAG2-related condition. Last evaluated: 2026-02-17. Review status: criteria provided, single submitter. Criteria: ACMG Guidelines, 2015. Collection method: clinical testing. Allele origin: germline.
Comment: The PRKAG2 c.521C>T variant is predicted to result in the amino acid substitution p.Thr174Met. This variant has been reported in multiple individuals with cardiomyopathy (Table S1, Seidelmann et al. 2017. PubMed ID: 28087566; Table S6, Pottinger et al. 2020. PubMed ID: 32009526; Table S2, Burstein et al. 2021. PubMed ID: 32746448). This variant is reported in 0.080% of alleles in individuals of African descent in gnomAD. Although we suspect that this variant may be benign, at this time, the clinical significance of this variant is uncertain due to the absence of conclusive functional and genetic evidence.

Labcorp Genetics (formerly Invitae), Labcorp
Classification: Likely benign for Lethal congenital glycogen storage disease of heart. Last evaluated: 2026-01-15. Review status: criteria provided, single submitter. Criteria: Invitae Variant Classification Sherloc (09022015). Collection method: clinical testing. Allele origin: germline.

GeneDx
Classification: Uncertain significance. Last evaluated: 2024-07-02. Review status: criteria provided, single submitter. Criteria: GeneDx Variant Classification Process June 2021. Collection method: clinical testing. Allele origin: germline. Affected: yes.
Comment: In silico analysis indicates that this missense variant does not alter protein structure/function; Identified in patients with cardiomyopathy in the published literature (PMID: 32746448, 32009526); This variant is associated with the following publications: (PMID: 32746448, 32009526)

Ambry Genetics
Classification: Uncertain significance for Cardiovascular phenotype. Last evaluated: 2023-11-21. Review status: criteria provided, single submitter. Criteria: Ambry Variant Classification Scheme 2023. Collection method: clinical testing. Allele origin: germline.
Comment: The p.T174M variant (also known as c.521C>T), located in coding exon 4 of the PRKAG2 gene, results from a C to T substitution at nucleotide position 521. The threonine at codon 174 is replaced by methionine, an amino acid with similar properties. This alteration has been reported in cardiac genetic testing cohorts; however, clinical details were limited and additional cardiac variants were detected in some cases (Seidelmann SB et al. Circ Cardiovasc Genet, 2017 Feb;10:[ePub ahead of print]; van Lint FHM et al. Neth Heart J, 2019 Jun;27:304-309; Pottinger TD et al. J Am Heart Assoc, 2020 02;9:e013808). This amino acid position is not well conserved in available vertebrate species. In addition, the in silico prediction for this alteration is inconclusive. Since supporting evidence is limited at this time, the clinical significance of this alteration remains unclear.

Blueprint Genetics
Classification: Likely benign. Last evaluated: 2019-12-23. Review status: criteria provided, single submitter. Criteria: ACMG Guidelines, 2015. Collection method: clinical testing. Allele origin: germline.

Color Diagnostics, LLC DBA Color Health
Classification: Likely benign for Cardiomyopathy. Last evaluated: 2019-11-24. Review status: criteria provided, single submitter. Criteria: ACMG Guidelines, 2015. Collection method: clinical testing. Allele origin: germline.

CHEO Genetics Diagnostic Laboratory, Children's Hospital of Eastern Ontario
Classification: Uncertain significance for Cardiomyopathy. Last evaluated: 2018-01-30. Review status: criteria provided, single submitter. Criteria: ACMG Guidelines, 2015. Collection method: clinical testing. Allele origin: germline.

Laboratory for Molecular Medicine, Mass General Brigham Personalized Medicine
Classification: Uncertain significance. Last evaluated: 2013-10-31. Review status: criteria provided, single submitter. Criteria: LMM Criteria. Collection method: clinical testing. Allele origin: germline. Observed: 1 variant allele.
Comment: Variant classified as Uncertain Significance - Favor Benign. The Thr174Met varia nt in PRKAG2 has not been reported in individuals with cardiomyopathy, but has b een identified in 0.5% (1/192) of Kenyan chromosomes by the 1000 Genomes Project and in 3/4406 African American chromosomes by the NHLBI Exome Sequencing Projec t (dbSNP rs148056866). Computational analyses (biochemical amino acid properties, conservation, AlignGVGD, PolyPhen2, and SIF T) suggest that the Thr174Met variant may not impact the protein, though this in formation is not predictive enough to rule out pathogenicity. Although this data supports that the Thr174Met variant may be benign, additional studies are neede d to fully assess its clinical significance.

Mayo Clinic Laboratories, Mayo Clinic
Classification: Uncertain significance. Last evaluated: 2017-10-03. Review status: no assertion criteria provided. Collection method: clinical testing. Allele origin: unknown. Not counted in ClinVar's aggregate classification.

Literature cited by the submitters: PubMed 24123366 (cited by Ambry Genetics); PubMed 28087566 (cited by Ambry Genetics); PubMed 30847666 (cited by Ambry Genetics); PubMed 32009526 (cited by Ambry Genetics); PubMed 32746448 (cited by Ambry Genetics).